The following is an entry in ClinVar:

NM_001080467.3(MYO5B):c.532C>T (p.Arg178Cys)

Gene: MYO5B (myosin VB; minus strand). Cytogenetic location: 18q21.1.
Variant type: single nucleotide variant.
Coding change: c.532C>T on transcript NM_001080467.3 (MANE Select); coding-DNA position 532, C replaced by T.
Protein change: p.Arg178Cys; replaces arginine 178 with cysteine.
Molecular consequence: missense variant.
Genome position (GRCh38, 1-based): chr18:50,001,335, G>A on the plus strand (C>T on the coding strand, the complement: MYO5B is on the minus strand). VCF-style: chr18-50001335-G-A. GRCh37 (hg19) VCF-style: chr18-47527705-G-A.
Other names: c.532C>T (NM_001080467.2); short protein forms R178C.
Identifiers: ClinVar variation 1902688 (VCV001902688.5), dbSNP rs778249198, ClinGen allele CA8961862.

ClinVar aggregate classification (germline): Uncertain significance. Review status: criteria provided, multiple submitters, no conflicts (2 of 4 stars). 3 submissions from 3 submitters: Uncertain significance (2). 1 of the submissions does not count toward it. Last evaluated 2024-11-08.

Conditions:
MYO5B-related disorder. Also called: MYO5B-related condition.
Inborn genetic diseases. Identifiers: MedGen C0950123, MeSH D030342.

Allele frequency attached by ClinVar (database versions not stated): ExAC 0.00004; TOPMed 0.00006; gnomAD 0.00007.
gnomAD v4.1: 85 of 1,614,020 alleles (0.0053%); highest among the groups gnomAD compares: East Asian, 0.0089%; no homozygotes.

Submissions (3):

Ambry Genetics
Classification: Uncertain significance for Inborn genetic diseases. Last evaluated: 2024-11-08. Review status: criteria provided, single submitter. Criteria: Ambry Variant Classification Scheme 2023. Collection method: clinical testing. Allele origin: germline.

Labcorp Genetics (formerly Invitae), Labcorp
Classification: Uncertain significance. Last evaluated: 2023-12-07. Review status: criteria provided, single submitter. Criteria: Invitae Variant Classification Sherloc (09022015). Collection method: clinical testing. Allele origin: germline.
Comment: This sequence change replaces arginine, which is basic and polar, with cysteine, which is neutral and slightly polar, at codon 178 of the MYO5B protein (p.Arg178Cys). This variant is present in population databases (rs778249198, gnomAD 0.009%). This variant has not been reported in the literature in individuals affected with MYO5B-related conditions. ClinVar contains an entry for this variant (Variation ID: 1902688). Advanced modeling of protein sequence and biophysical properties (such as structural, functional, and spatial information, amino acid conservation, physicochemical variation, residue mobility, and thermodynamic stability) performed at Invitae indicates that this missense variant is expected to disrupt MYO5B protein function with a positive predictive value of 80%. In summary, the available evidence is currently insufficient to determine the role of this variant in disease. Therefore, it has been classified as a Variant of Uncertain Significance.

PreventionGenetics, part of Exact Sciences
Classification: Uncertain significance for MYO5B-related condition. Last evaluated: 2024-03-06. Review status: no assertion criteria provided. Collection method: clinical testing. Allele origin: germline. Not counted in ClinVar's aggregate classification.
Comment: The MYO5B c.532C>T variant is predicted to result in the amino acid substitution p.Arg178Cys. To our knowledge, this variant has not been reported in the literature. This variant is reported in 0.0087% of alleles in individuals of Latino descent in gnomAD. At this time, the clinical significance of this variant is uncertain due to the absence of conclusive functional and genetic evidence.